The following is an entry in ClinVar:

NM_024537.4(CARS2):c.217G>A (p.Ala73Thr)

Gene: CARS2 (cysteinyl-tRNA synthetase 2, mitochondrial; minus strand). Cytogenetic location: 13q34.
Variant type: single nucleotide variant.
Coding change: c.217G>A on transcript NM_024537.4 (MANE Select); coding-DNA position 217, G replaced by A.
Protein change: p.Ala73Thr; replaces alanine 73 with threonine.
Molecular consequence: missense variant. On other transcripts: non-coding transcript variant (1), intron variant (1).
Genome position (GRCh38, 1-based): chr13:110,705,877, C>T on the plus strand (G>A on the coding strand, the complement: CARS2 is on the minus strand). VCF-style: chr13-110705877-C-T. GRCh37 (hg19) VCF-style: chr13-111358224-C-T.
Other names: c.217G>A, p.Ala73Thr (NM_001352253.3); c.-775-306G>A (NM_001352252.2); short protein forms A73T.
Identifiers: ClinVar variation 941966 (VCV000941966.7), dbSNP rs761282112, ClinGen allele CA7052387.

ClinVar aggregate classification (germline): Uncertain significance (1 of 4 stars; one submission).

Conditions:
Combined oxidative phosphorylation defect type 27. Also called: Combined oxidative phosphorylation deficiency 27. Identifiers: Orphanet 477774, MedGen C5567608, MONDO:0014728, OMIM 616672.

Allele frequency attached by ClinVar (database versions not stated): ExAC below 0.00001; TOPMed 0.00001.
gnomAD v4.1: 6 of 1,561,112 alleles (0.00038%); highest among the groups gnomAD compares: Non-Finnish European, 0.00052%; no homozygotes.

Submission:

Labcorp Genetics (formerly Invitae), Labcorp
Classification: Uncertain significance for Combined oxidative phosphorylation defect type 27. Last evaluated: 2022-08-31. Review status: criteria provided, single submitter. Criteria: Invitae Variant Classification Sherloc (09022015). Collection method: clinical testing. Allele origin: germline.
Comment: This sequence change replaces alanine, which is neutral and non-polar, with threonine, which is neutral and polar, at codon 73 of the CARS2 protein (p.Ala73Thr). This variant is not present in population databases (gnomAD no frequency). This variant has not been reported in the literature in individuals affected with CARS2-related conditions. ClinVar contains an entry for this variant (Variation ID: 941966). Algorithms developed to predict the effect of missense changes on protein structure and function output the following: SIFT: "Tolerated"; PolyPhen-2: "Benign"; Align-GVGD: "Class C0". The threonine amino acid residue is found in multiple mammalian species, which suggests that this missense change does not adversely affect protein function. In summary, the available evidence is currently insufficient to determine the role of this variant in disease. Therefore, it has been classified as a Variant of Uncertain Significance.